The following is an entry in ClinVar:

NM_001844.5(COL2A1):c.4123A>G (p.Met1375Val)

Gene: COL2A1 (collagen type II alpha 1 chain; minus strand). Cytogenetic location: 12q13.11.
Variant type: single nucleotide variant.
Coding change: c.4123A>G on transcript NM_001844.5 (MANE Select); coding-DNA position 4123, A replaced by G.
Protein change: p.Met1375Val; replaces methionine 1375 with valine.
Molecular consequence: missense variant.
Genome position (GRCh38, 1-based): chr12:47,974,283, T>C on the plus strand (A>G on the coding strand, the complement: COL2A1 is on the minus strand). VCF-style: chr12-47974283-T-C. GRCh37 (hg19) VCF-style: chr12-48368066-T-C.
Other names: c.3916A>G, p.Met1306Val (NM_033150.3); short protein forms M1306V, M1375V.
Identifiers: ClinVar variation 1716023 (VCV001716023.5), dbSNP rs1938580820, ClinGen allele CA384533814.
Genomic context (GRCh38, chr12:47,974,283, plus strand): 5'-TCTTGCAGTGGTAGGTGATGTTCTGGGAGCCTTCCGTGGACAGCAGGCGTAGGAAGGTCA[T>C]CTGGACGTTGGCAGTGTTGGGAGCCAGATTGTCATCTCCATAGCTGAACTGTTGGGGCAG-3'
Protein context (NP_001835.3, residues 1365-1385): NLAPNTANVQ[Met1375Val]TFLRLLSTEG

ClinVar aggregate classification (germline): Uncertain significance (1 of 4 stars; one submission).

Allele frequency attached by ClinVar (database versions not stated): TOPMed below 0.00001; gnomAD 0.00001.

Submission:

Labcorp Genetics (formerly Invitae), Labcorp
Classification: Uncertain significance. Last evaluated: 2025-02-06. Review status: criteria provided, single submitter. Criteria: Invitae Variant Classification Sherloc (09022015). Collection method: clinical testing. Allele origin: germline.
Comment: This sequence change replaces methionine, which is neutral and non-polar, with valine, which is neutral and non-polar, at codon 1375 of the COL2A1 protein (p.Met1375Val). This variant is not present in population databases (gnomAD no frequency). This variant has not been reported in the literature in individuals affected with COL2A1-related conditions. ClinVar contains an entry for this variant (Variation ID: 1716023). Invitae Evidence Modeling of protein sequence and biophysical properties (such as structural, functional, and spatial information, amino acid conservation, physicochemical variation, residue mobility, and thermodynamic stability) indicates that this missense variant is not expected to disrupt COL2A1 protein function with a negative predictive value of 95%. In summary, the available evidence is currently insufficient to determine the role of this variant in disease. Therefore, it has been classified as a Variant of Uncertain Significance.